The following is an entry in ClinVar:

NM_003107.3(SOX4):c.1198G>T (p.Glu400Ter)

Gene: SOX4 (SRY-box transcription factor 4; plus strand). Cytogenetic location: 6p22.3.
Variant type: single nucleotide variant.
Coding change: c.1198G>T on transcript NM_003107.3 (MANE Select); coding-DNA position 1198, G replaced by T.
Protein change: p.Glu400Ter; replaces glutamic acid 400 with a stop codon.
Molecular consequence: nonsense.
Genome position (GRCh38, 1-based): chr6:21,595,732, G>T. VCF-style: chr6-21595732-G-T. GRCh37 (hg19) VCF-style: chr6-21595963-G-T.
Other names: short protein forms E400*.
Identifiers: ClinVar variation 3899657 (VCV003899657.2).

ClinVar aggregate classification (germline): Uncertain significance (1 of 4 stars; one submission).

Submission:

GeneDx
Classification: Uncertain significance. Last evaluated: 2025-11-30. Review status: criteria provided, single submitter. Criteria: GeneDx Variant Classification Process June 2021. Collection method: clinical testing. Allele origin: germline.
Comment: Not observed at significant frequency in large population cohorts (gnomAD); Nonsense variant predicted to result in protein truncation as the last 75 amino acids are lost; Has not been previously published as pathogenic or benign to our knowledge